The following is an entry in ClinVar:

NM_207034.3(EDN3):c.176C>T (p.Ala59Val)

Gene: EDN3 (endothelin 3; plus strand). Cytogenetic location: 20q13.32.
Variant type: single nucleotide variant.
Coding change: c.176C>T on transcript NM_207034.3 (MANE Select); coding-DNA position 176, C replaced by T.
Protein change: p.Ala59Val; replaces alanine 59 with valine.
Molecular consequence: missense variant.
Genome position (GRCh38, 1-based): chr20:59,301,533, C>T. VCF-style: chr20-59301533-C-T. GRCh37 (hg19) VCF-style: chr20-57876588-C-T.
Other names: c.176C>T, p.Ala59Val (NM_001302455.2, NM_001302456.2, NM_207032.3 and 1 more transcripts); short protein forms A59V.
Identifiers: ClinVar variation 1442486 (VCV001442486.6), dbSNP rs1343383366, ClinGen allele CA409706792.
Genomic context (GRCh38, chr20:59,301,533, plus strand): 5'-CAGCCAGATCTGAGGGGGACTGTGAAGAGACTGTGGCTGGCCCTGGCGAGGAGACTGTGG[C>T]TGGCCCTGGCGAGGGGACTGTGGCCCCGACAGCACTGCAGGGTCCAAGCCCTGGAAGCCC-3'
Protein context (NP_996917.1, residues 49-69): TVAGPGEETV[Ala59Val]GPGEGTVAPT

ClinVar aggregate classification (germline): Uncertain significance (1 of 4 stars; one submission).

Submission:

Labcorp Genetics (formerly Invitae), Labcorp
Classification: Uncertain significance. Last evaluated: 2021-11-28. Review status: criteria provided, single submitter. Criteria: Invitae Variant Classification Sherloc (09022015). Collection method: clinical testing. Allele origin: germline.
Comment: This sequence change replaces alanine, which is neutral and non-polar, with valine, which is neutral and non-polar, at codon 59 of the EDN3 protein (p.Ala59Val). This variant is not present in population databases (gnomAD no frequency). In summary, the available evidence is currently insufficient to determine the role of this variant in disease. Therefore, it has been classified as a Variant of Uncertain Significance. Algorithms developed to predict the effect of missense changes on protein structure and function are either unavailable or do not agree on the potential impact of this missense change (SIFT: "Deleterious"; PolyPhen-2: "Benign"; Align-GVGD: "Class C0"). This variant has not been reported in the literature in individuals affected with EDN3-related conditions.